The following is an entry in ClinVar:

ClinVar aggregate classification (germline): Uncertain significance. Review status: criteria provided, multiple submitters, no conflicts (2 of 4 stars). 2 submissions from 2 submitters: Uncertain significance (2). Last evaluated 2024-10-27.

Conditions:
Ataxia-telangiectasia-like disorder (ATLD). Identifiers: MedGen C1858391, MONDO:0011457.
Hereditary cancer-predisposing syndrome. Also called: Neoplastic Syndromes, Hereditary; Tumor predisposition; Hereditary Cancer Syndrome; Hereditary neoplastic syndrome. Identifiers: Orphanet 140162, MedGen C0027672, MeSH D009386, MONDO:0015356.

Allele frequency attached by ClinVar (database versions not stated): gnomAD exomes below 0.00001; ExAC 0.00001; gnomAD 0.00001.
gnomAD v4.1: 7 of 1,613,148 alleles (0.00043%); highest among the groups gnomAD compares: South Asian, 0.0011%; no homozygotes.

Submissions (2):

Labcorp Genetics (formerly Invitae), Labcorp
Classification: Uncertain significance for Ataxia-telangiectasia-like disorder. Last evaluated: 2024-10-27. Review status: criteria provided, single submitter. Criteria: Invitae Variant Classification Sherloc (09022015). Collection method: clinical testing. Allele origin: germline.
Comment: This sequence change replaces aspartic acid, which is acidic and polar, with glycine, which is neutral and non-polar, at codon 324 of the MRE11 protein (p.Asp324Gly). This variant is present in population databases (rs763563427, gnomAD 0.0009%). This variant has not been reported in the literature in individuals affected with MRE11-related conditions. ClinVar contains an entry for this variant (Variation ID: 186804). An algorithm developed to predict the effect of missense changes on protein structure and function (PolyPhen-2) suggests that this variant is likely to be tolerated. Algorithms developed to predict the effect of sequence changes on RNA splicing suggest that this variant may disrupt the consensus splice site. In summary, the available evidence is currently insufficient to determine the role of this variant in disease. Therefore, it has been classified as a Variant of Uncertain Significance.

Ambry Genetics
Classification: Uncertain significance for Hereditary cancer-predisposing syndrome. Last evaluated: 2019-10-07. Review status: criteria provided, single submitter. Criteria: Ambry Variant Classification Scheme 2023. Collection method: clinical testing. Allele origin: germline.
Comment: The p.D324G variant (also known as c.971A>G), located in coding exon 8 of the MRE11A gene, results from an A to G substitution at nucleotide position 971. The aspartic acid at codon 324 is replaced by glycine, an amino acid with similar properties. This amino acid position is not well conserved in available vertebrate species. In addition, the in silico prediction for this alteration is inconclusive. Since supporting evidence is limited at this time, the clinical significance of this alteration remains unclear.

NM_005591.4(MRE11):c.971A>G (p.Asp324Gly)

Gene: MRE11 (MRE11 double strand break repair nuclease; minus strand). Cytogenetic location: 11q21.
Variant type: single nucleotide variant.
Coding change: c.971A>G on transcript NM_005591.4 (MANE Select); coding-DNA position 971, A replaced by G.
Protein change: p.Asp324Gly; replaces aspartic acid 324 with glycine.
Molecular consequence: missense variant.
Genome position (GRCh38, 1-based): chr11:94,470,517, T>C on the plus strand (A>G on the coding strand, the complement: MRE11 is on the minus strand). VCF-style: chr11-94470517-T-C. GRCh37 (hg19) VCF-style: chr11-94203683-T-C.
Other names: c.971A>G, p.Asp324Gly (NM_001330347.2, NM_005590.4); short protein forms D324G.
Identifiers: ClinVar variation 186804 (VCV000186804.13), dbSNP rs763563427, ClinGen allele CA195914.